The following is an entry in ClinVar:

NM_001111125.3(IQSEC2):c.234C>G (p.Gly78=)

Gene: IQSEC2 (IQ motif and Sec7 domain ArfGEF 2; minus strand). Cytogenetic location: Xp11.22.
Variant type: single nucleotide variant.
Coding change: c.234C>G on transcript NM_001111125.3 (MANE Select); coding-DNA position 234, C replaced by G.
Protein change: p.Gly78=; no amino-acid change (glycine 78 retained).
Molecular consequence: synonymous variant.
Genome position (GRCh38, 1-based): chrX:53,320,890, G>C on the plus strand (C>G on the coding strand, the complement: IQSEC2 is on the minus strand). VCF-style: chrX-53320890-G-C. GRCh37 (hg19) VCF-style: chrX-53350088-G-C.
Identifiers: ClinVar variation 391469 (VCV000391469.5), dbSNP rs943476072, ClinGen allele CA16609194.
Genomic context (GRCh38, chrX:53,320,890, plus strand): 5'-GTGGAACTGGGTCTCGCGCAGGTTCTGGTACTGGCTCTCGCGGCCCGGGCTATCCCGCGC[G>C]CCGTGGGGGTCCCGGTGCAGCTCCCCGCGGTGCAGCTGGCTCTCCTCTCGCAGGTCGCGG-3'
Protein context (NP_001104595.1, residues 68-88): HRGELHRDPH[Gly78=]ARDSPGRESQ

ClinVar aggregate classification (germline): Likely benign. Review status: criteria provided, multiple submitters, no conflicts (2 of 4 stars). 3 submissions from 3 submitters: Likely benign (3). Last evaluated 2024-02-05.

Conditions:
Intellectual developmental disorder, X-linked 1. Also called: Intellectual disability, X-linked 1; Atkin Flaitz Patil Smith syndrome; MENTAL RETARDATION, X-LINKED 18; MENTAL RETARDATION, X-LINKED 78. Identifiers: Orphanet 777, MedGen C2931498, MONDO:0010656, OMIM 309530.

Allele frequency attached by ClinVar (database versions not stated): gnomAD exomes 0.00001; TOPMed 0.00003; gnomAD 0.00001.
gnomAD v4.1: 51 of 1,162,656 alleles (0.0044%); highest among the groups gnomAD compares: Non-Finnish European, 0.0059%; no homozygotes.

Submissions (3):

Blueprint Genetics
Classification: Likely benign. Last evaluated: 2024-02-05. Review status: criteria provided, single submitter. Criteria: ACMG Guidelines, 2015. Collection method: clinical testing. Allele origin: germline.

Labcorp Genetics (formerly Invitae), Labcorp
Classification: Likely benign for Intellectual developmental disorder, X-linked 1. Last evaluated: 2023-12-19. Review status: criteria provided, single submitter. Criteria: Invitae Variant Classification Sherloc (09022015). Collection method: clinical testing. Allele origin: germline.

GeneDx
Classification: Likely benign. Last evaluated: 2017-11-17. Review status: criteria provided, single submitter. Criteria: GeneDx Variant Classification (06012015). Collection method: clinical testing. Allele origin: germline. Affected: yes.
Comment: This variant is considered likely benign or benign based on one or more of the following criteria: it is a conservative change, it occurs at a poorly conserved position in the protein, it is predicted to be benign by multiple in silico algorithms, and/or has population frequency not consistent with disease.